The following is an entry in ClinVar:

ClinVar aggregate classification (germline): Pathogenic. Review status: criteria provided, multiple submitters, no conflicts (2 of 4 stars). 2 submissions from 2 submitters: Pathogenic (2). Last evaluated 2021-02-06.

Conditions:
Autosomal recessive distal spinal muscular atrophy 1. Also called: Spinal muscular atrophy with respiratory distress 1; HMN VI; NEURONOPATHY, DISTAL HEREDITARY MOTOR, HARDING TYPE VI; NEUROPATHY, DISTAL HEREDITARY MOTOR, AUTOSOMAL RECESSIVE 1; NEURONOPATHY, SEVERE INFANTILE AXONAL, WITH RESPIRATORY FAILURE; SEVERE INFANTILE AXONAL NEUROPATHY WITH RESPIRATORY FAILURE. Identifiers: Orphanet 98920, MedGen C1858517, MONDO:0011436, OMIM 604320.
Charcot-Marie-Tooth disease axonal type 2S. Also called: CHARCOT-MARIE-TOOTH NEUROPATHY, TYPE 2S; CHARCOT-MARIE-TOOTH DISEASE, AXONAL, AUTOSOMAL RECESSIVE, TYPE 2S. Identifiers: Orphanet 443073, MedGen C4015349, MONDO:0014511, OMIM 616155.

Allele frequency attached by ClinVar (database versions not stated): gnomAD exomes below 0.00001; ExAC 0.00001.
gnomAD v4.1: 1 of 1,606,832 alleles (0.000062%); highest among the groups gnomAD compares: Admixed American, 0.0017%; no homozygotes.

Submissions (2):

Labcorp Genetics (formerly Invitae), Labcorp
Classification: Pathogenic for Autosomal recessive distal spinal muscular atrophy 1; Charcot-Marie-Tooth disease axonal type 2S. Last evaluated: 2021-02-06. Review status: criteria provided, single submitter. Criteria: Invitae Variant Classification Sherloc (09022015). Collection method: clinical testing. Allele origin: germline.
Comment: This variant has not been reported in the literature in individuals with IGHMBP2-related conditions. ClinVar contains an entry for this variant (Variation ID: 282335). This variant is present in population databases (rs750024353, ExAC 0.009%). This sequence change creates a premature translational stop signal (p.Gln854*) in the IGHMBP2 gene. It is expected to result in an absent or disrupted protein product. Loss-of-function variants in IGHMBP2 are known to be pathogenic (PMID: 14681881). Algorithms developed to predict the effect of sequence changes on RNA splicing suggest that this variant may create or strengthen a splice site, but this prediction has not been confirmed by published transcriptional studies. For these reasons, this variant has been classified as Pathogenic.

Eurofins Ntd Llc (ga)
Classification: Pathogenic. Last evaluated: 2015-08-13. Review status: criteria provided, single submitter. Criteria: EGL Classification Definitions 2015. Collection method: clinical testing. Allele origin: germline. Observed: 1 variant allele, 1 homozygote.

Literature cited by the submitters: PubMed 14681881 (cited by Labcorp Genetics (formerly Invitae), Labcorp).

NM_002180.3(IGHMBP2):c.2560C>T (p.Gln854Ter)

Gene: IGHMBP2 (immunoglobulin mu DNA binding protein 2; plus strand). Cytogenetic location: 11q13.3.
Variant type: single nucleotide variant.
Coding change: c.2560C>T on transcript NM_002180.3 (MANE Select); coding-DNA position 2560, C replaced by T.
Protein change: p.Gln854Ter; replaces glutamine 854 with a stop codon.
Molecular consequence: nonsense.
Genome position (GRCh38, 1-based): chr11:68,937,040, C>T. VCF-style: chr11-68937040-C-T. GRCh37 (hg19) VCF-style: chr11-68704508-C-T.
Other names: short protein forms Q854*.
Identifiers: ClinVar variation 282335 (VCV000282335.10), dbSNP rs750024353, ClinGen allele CA6153941.